The following is an entry in ClinVar:

NM_001128148.3(TFRC):c.596C>T (p.Ser199Leu)

Gene: TFRC (transferrin receptor; minus strand). Cytogenetic location: 3q29.
Variant type: single nucleotide variant.
Coding change: c.596C>T on transcript NM_001128148.3 (MANE Select); coding-DNA position 596, C replaced by T.
Protein change: p.Ser199Leu; replaces serine 199 with leucine.
Molecular consequence: missense variant. On other transcripts: 5 prime UTR variant (1).
Genome position (GRCh38, 1-based): chr3:196,071,487, G>A on the plus strand (C>T on the coding strand, the complement: TFRC is on the minus strand). VCF-style: chr3-196071487-G-A. GRCh37 (hg19) VCF-style: chr3-195798358-G-A.
Other names: c.353C>T, p.Ser118Leu (NM_001313965.2); c.-251C>T (NM_001313966.2); c.596C>T, p.Ser199Leu (NM_003234.4); c.596C>T (NM_003234.2); short protein forms S118L, S199L.
Identifiers: ClinVar variation 1420298 (VCV001420298.9), dbSNP rs372794082, ClinGen allele CA2778250.

ClinVar aggregate classification (germline): Uncertain significance. Review status: criteria provided, multiple submitters, no conflicts (2 of 4 stars). 2 submissions from 2 submitters: Uncertain significance (2). Last evaluated 2025-07-14.

Conditions:
Inborn genetic diseases. Identifiers: MedGen C0950123, MeSH D030342.

Allele frequency attached by ClinVar (database versions not stated): gnomAD exomes 0.00002 and 0.00004; TOPMed 0.00003; ExAC 0.00005; gnomAD 0.00005 and 0.00006; ESP Exome Variant Server 0.00008.

Submissions (2):

Ambry Genetics
Classification: Uncertain significance for Inborn genetic diseases. Last evaluated: 2025-07-14. Review status: criteria provided, single submitter. Criteria: Ambry Variant Classification Scheme 2023. Collection method: clinical testing. Allele origin: germline.

Labcorp Genetics (formerly Invitae), Labcorp
Classification: Uncertain significance. Last evaluated: 2025-06-14. Review status: criteria provided, single submitter. Criteria: Invitae Variant Classification Sherloc (09022015). Collection method: clinical testing. Allele origin: germline.
Comment: This sequence change replaces serine, which is neutral and polar, with leucine, which is neutral and non-polar, at codon 199 of the TFRC protein (p.Ser199Leu). This variant is present in population databases (rs372794082, gnomAD 0.007%). This variant has not been reported in the literature in individuals affected with TFRC-related conditions. ClinVar contains an entry for this variant (Variation ID: 1420298). Invitae Evidence Modeling of protein sequence and biophysical properties (such as structural, functional, and spatial information, amino acid conservation, physicochemical variation, residue mobility, and thermodynamic stability) indicates that this missense variant is not expected to disrupt TFRC protein function with a negative predictive value of 80%. In summary, the available evidence is currently insufficient to determine the role of this variant in disease. Therefore, it has been classified as a Variant of Uncertain Significance.